The following is an entry in ClinVar:

ClinVar aggregate classification (germline): Uncertain significance (1 of 4 stars; one submission).

Conditions:
LRRC45-related disorder. Also called: LRRC45-related condition.

gnomAD v4.1: 20 of 1,581,020 alleles (0.0013%); highest among the groups gnomAD compares: Non-Finnish European, 0.0016%; no homozygotes.

Submission:

PreventionGenetics, part of Exact Sciences
Classification: Uncertain significance for LRRC45-related condition. Last evaluated: 2025-12-31. Review status: criteria provided, single submitter. Criteria: ACMG Guidelines, 2015. Collection method: clinical testing. Allele origin: germline.
Comment: The LRRC45 c.1445A>G variant is predicted to result in the amino acid substitution p.Gln482Arg. To our knowledge, this variant has not been reported in the literature or in a large population database (gnomAD), indicating this variant is rare. At this time, the clinical significance of this variant is uncertain due to the absence of conclusive functional and genetic evidence.

NM_144999.4(LRRC45):c.1445A>G (p.Gln482Arg)

Gene: LRRC45 (leucine rich repeat containing 45; plus strand). Cytogenetic location: 17q25.3.
Variant type: single nucleotide variant.
Coding change: c.1445A>G on transcript NM_144999.4 (MANE Select); coding-DNA position 1445, A replaced by G.
Protein change: p.Gln482Arg; replaces glutamine 482 with arginine.
Molecular consequence: missense variant.
Genome position (GRCh38, 1-based): chr17:82,029,586, A>G. VCF-style: chr17-82029586-A-G. GRCh37 (hg19) VCF-style: chr17-79987462-A-G.
Other names: short protein forms Q482R.
Identifiers: ClinVar variation 4988780 (VCV004988780.1).
Genomic context (GRCh38, chr17:82,029,586, plus strand): 5'-GGTGGCCATCTGTGCAGGAGCTGAGCCGAGTGAAAGCAGCGGCACTCAGCGAGCGTGGCC[A>G]GGCTGAGGAGGAGCTGATCAAGGCCAAGAGCCAGGCCCGCCTGGAGGAGGTGAGCCACAC-3'
Protein context (NP_659436.1, residues 472-492): VKAAALSERG[Gln482Arg]AEEELIKAKS